The following is an entry in ClinVar:

ClinVar aggregate classification (germline): Uncertain significance. Review status: criteria provided, multiple submitters, no conflicts (2 of 4 stars). 2 submissions from 2 submitters: Uncertain significance (2). Last evaluated 2022-08-17.

Submissions (2):

Labcorp Genetics (formerly Invitae), Labcorp
Classification: Uncertain significance. Last evaluated: 2022-08-17. Review status: criteria provided, single submitter. Criteria: Invitae Variant Classification Sherloc (09022015). Collection method: clinical testing. Allele origin: germline.
Comment: This variant, c.2395_2397del, results in the deletion of 1 amino acid(s) of the SH3PXD2B protein (p.Leu799del), but otherwise preserves the integrity of the reading frame. This variant is present in population databases (rs759973468, gnomAD 0.06%). This variant has not been reported in the literature in individuals affected with SH3PXD2B-related conditions. In summary, the available evidence is currently insufficient to determine the role of this variant in disease. Therefore, it has been classified as a Variant of Uncertain Significance.

Eurofins Ntd Llc (ga)
Classification: Uncertain significance. Last evaluated: 2016-07-21. Review status: criteria provided, single submitter. Criteria: EGL Classification Definitions 2015. Collection method: clinical testing. Allele origin: germline. Observed: 1 variant allele, 1 heterozygote.

NM_001017995.3(SH3PXD2B):c.2392CTC[1] (p.Leu799del)

Gene: SH3PXD2B (SH3 and PX domains 2B; minus strand). Cytogenetic location: 5q35.1.
Variant type: Microsatellite.
Coding change: c.2392CTC[1] on transcript NM_001017995.3 (MANE Select); one copy of the 3-base unit CTC starting at c.2392; the reference has two copies in a row; one copy, 3 bases deleted.
Protein change: p.Leu799del; deletes leucine 799.
Molecular consequence: inframe deletion. On other transcripts: intron variant (1).
Genome position (GRCh38, 1-based): chr5:172,338,708-172,338,710, GAG deleted on the plus strand (CTC on the coding strand, the reverse complement: SH3PXD2B is on the minus strand); deleting any 3 consecutive bases within chr5:172,338,708-172,338,713 gives the same sequence; the position shown is the placement nearest the transcript's 3' end. VCF-style (leftmost placement, unchanged base first): chr5-172338707-CGAG-C. GRCh37 (hg19) VCF-style: chr5-171765711-CGAG-C.
Other names: c.1188+7426_1188+7428del (NM_001308175.2); short protein forms L799del.
Identifiers: ClinVar variation 289067 (VCV000289067.7), dbSNP rs759973468, ClinGen allele CA3560975.